The following is an entry in ClinVar:

ClinVar aggregate classification (germline): Benign. Review status: criteria provided, multiple submitters, no conflicts (2 of 4 stars). 2 submissions from 2 submitters: Benign (2). Last evaluated 2018-06-14.

Allele frequency attached by ClinVar (database versions not stated): gnomAD 0.03487 and 0.03732; 1000 Genomes Project 0.03794; 1000 Genomes Project 30x 0.03951; TOPMed 0.03955.
gnomAD v4.1: 10,111 of 1,519,228 alleles (0.67%); highest among the groups gnomAD compares: African/African-American, 12%; 536 homozygotes.

Submissions (2):

GeneDx
Classification: Benign. Last evaluated: 2018-06-14. Review status: criteria provided, single submitter. Criteria: GeneDx Variant Classification (06012015). Collection method: clinical testing. Allele origin: germline. Affected: yes.
Comment: This variant is considered likely benign or benign based on one or more of the following criteria: it is a conservative change, it occurs at a poorly conserved position in the protein, it is predicted to be benign by multiple in silico algorithms, and/or has population frequency not consistent with disease.

Breakthrough Genomics
Classification: Benign. Review status: criteria provided, single submitter. Criteria: ACMG Guidelines, 2015. Collection method: not provided. Allele origin: germline. Inheritance: Unknown mechanism. Affected: yes.

NM_014476.6(PDLIM3):c.331-143G>A

Genes: PDLIM3 (PDZ and LIM domain 3; minus strand), LOC126807246 (BRD4-independent group 4 enhancer GRCh37_chr4:186434842-186436041; plus strand). Cytogenetic location: 4q35.1.
Variant type: single nucleotide variant.
Coding change: c.331-143G>A on transcript NM_014476.6 (MANE Select); 143 bases into the intron before coding-DNA position 331, G replaced by A.
Molecular consequence: intron variant.
Genome position (GRCh38, 1-based): chr4:185,514,480, C>T on the plus strand (G>A on the coding strand, the complement: PDLIM3 is on the minus strand). VCF-style: chr4-185514480-C-T. GRCh37 (hg19) VCF-style: chr4-186435634-C-T.
Other names: c.94-143G>A (NM_001257963.2); c.331-143G>A (NM_001257962.2); c.518+223G>A (NM_001114107.5).
Identifiers: ClinVar variation 675377 (VCV000675377.2), dbSNP rs73016234, ClinGen allele CA112047832.